The following is an entry in ClinVar:

NM_174936.4(PCSK9):c.96G>C (p.Glu32Asp)

Gene: PCSK9 (proprotein convertase subtilisin/kexin type 9; plus strand). Cytogenetic location: 1p32.3.
Variant type: single nucleotide variant.
Coding change: c.96G>C on transcript NM_174936.4 (MANE Select); coding-DNA position 96, G replaced by C.
Protein change: p.Glu32Asp; replaces glutamic acid 32 with aspartic acid.
Molecular consequence: missense variant. On other transcripts: 5 prime UTR variant (1), non-coding transcript variant (8).
Genome position (GRCh38, 1-based): chr1:55,039,933, G>C. VCF-style: chr1-55039933-G-C. GRCh37 (hg19) VCF-style: chr1-55505606-G-C.
Other names: c.96G>C, p.Glu32Asp (NM_001407240.1, NM_001407241.1, NM_001407242.1 and 4 more transcripts); c.-639G>C (NM_001407246.1); short protein forms E32D.
Identifiers: ClinVar variation 3074343 (VCV003074343.1), dbSNP rs1291205662, ClinGen allele CA340482762.
Genomic context (GRCh38, chr1:55,039,933, plus strand): 5'-GCTGCCACTGCTGCTGCTGCTGCTGCTGCTCCTGGGTCCCGCGGGCGCCCGTGCGCAGGA[G>C]GACGAGGACGGCGACTACGAGGAGCTGGTGCTAGCCTTGCGTTCCGAGGAGGACGGCCTG-3'
Protein context (NP_777596.2, residues 22-42): LLGPAGARAQ[Glu32Asp]DEDGDYEELV

ClinVar aggregate classification (germline): Uncertain significance (1 of 4 stars; one submission).

Conditions:
Hypercholesterolemia, autosomal dominant, 3 (FHCL3). Also called: Familial Hypercholesterolemia, Autosomal Dominant, 3; PCSK9-Related Familial Hypercholesterolemia, Autosomal Dominant; Familial hypercholesterolemia 3. Identifiers: MedGen C1863551, MONDO:0011369, OMIM 603776.

Submission:

All of Us Research Program, National Institutes of Health
Classification: Uncertain significance for Hypercholesterolemia, autosomal dominant, 3. Last evaluated: 2023-11-02. Review status: criteria provided, single submitter. Criteria: ACMG Guidelines, 2015. Collection method: clinical testing. Allele origin: germline. Inheritance: Autosomal dominant inheritance. Observed: 1 variant allele, 1 heterozygote.
Comment: This missense variant replaces glutamic acid with aspartic acid at codon 32 of the PCSK9 protein. Computational prediction suggests that this variant may not impact protein structure and function (internally defined REVEL score threshold <= 0.5, PMID: 27666373). To our knowledge, functional studies have not been reported for this variant. This variant has not been reported in individuals affected with familial hypercholesterolemia in the literature. This variant has not been identified in the general population by the Genome Aggregation Database (gnomAD). A different missense variant occurring at the same codon, p.Glu32Lys, reported to cause disease (ClinVar variation ID: 297692), indicating that glycine at this position is important for PCSK9 protein function. The available evidence is insufficient to determine the role of this variant in disease conclusively. Therefore, this variant is classified as a Variant of Uncertain Significance.

This study involves interpretation of variants in research participants for the purpose of population health screening. Participant phenotype was not available at the time of variant classification. Additional details can be found in publication PMID: 35346344, PMCID: PMC8962531